The following is an entry in ClinVar:

NM_001458.5(FLNC):c.555G>A (p.Trp185Ter)

Gene: FLNC (filamin C; plus strand). Cytogenetic location: 7q32.1.
Variant type: single nucleotide variant.
Coding change: c.555G>A on transcript NM_001458.5 (MANE Select); coding-DNA position 555, G replaced by A.
Protein change: p.Trp185Ter; replaces tryptophan 185 with a stop codon.
Molecular consequence: nonsense.
Genome position (GRCh38, 1-based): chr7:128,835,528, G>A. VCF-style: chr7-128835528-G-A. GRCh37 (hg19) VCF-style: chr7-128475582-G-A.
Other names: c.555G>A, p.Trp185Ter (NM_001127487.2); short protein forms W185*.
Identifiers: ClinVar variation 1453571 (VCV001453571.8), dbSNP rs2128933685, ClinGen allele CA369219662.

ClinVar aggregate classification (germline): Pathogenic. Review status: criteria provided, multiple submitters, no conflicts (2 of 4 stars). 2 submissions from 2 submitters: Pathogenic (2). Last evaluated 2024-11-27.

Conditions:
Distal myopathy with posterior leg and anterior hand involvement. Also called: WILLIAMS DISTAL MYOPATHY. Identifiers: Orphanet 63273, MedGen C3279722, MONDO:0013550, OMIM 614065.
Hypertrophic cardiomyopathy 26. Also called: Cardiomyopathy, familial hypertrophic, 26. Identifiers: Orphanet 75249, MedGen C4310749, MONDO:0014883, OMIM 617047.
Myofibrillar myopathy 5. Also called: FILAMINOPATHY, AUTOSOMAL DOMINANT; Filaminopathy (type). Identifiers: Orphanet 171445, MedGen C1836050, MONDO:0012289, OMIM 609524.
Cardiovascular phenotype. Identifiers: MedGen CN230736.

Submissions (2):

Labcorp Genetics (formerly Invitae), Labcorp
Classification: Pathogenic for Distal myopathy with posterior leg and anterior hand involvement; Myofibrillar myopathy 5; Hypertrophic cardiomyopathy 26. Last evaluated: 2024-11-27. Review status: criteria provided, single submitter. Criteria: Invitae Variant Classification Sherloc (09022015). Collection method: clinical testing. Allele origin: germline.
Comment: This sequence change creates a premature translational stop signal (p.Trp185*) in the FLNC gene. It is expected to result in an absent or disrupted protein product. Loss-of-function variants in FLNC are known to be pathogenic (PMID: 27908349). This variant is not present in population databases (gnomAD no frequency). This premature translational stop signal has been observed in individual(s) with peripartum cardiomyopathy (PMID: 33874732). ClinVar contains an entry for this variant (Variation ID: 1453571). For these reasons, this variant has been classified as Pathogenic.

Ambry Genetics
Classification: Pathogenic for Cardiovascular phenotype. Last evaluated: 2019-09-11. Review status: criteria provided, single submitter. Criteria: Ambry Variant Classification Scheme 2023. Collection method: clinical testing. Allele origin: germline.
Comment: The p.W185* pathogenic mutation (also known as c.555G>A), located in coding exon 2 of the FLNC gene, results from a G to A substitution at nucleotide position 555. This changes the amino acid from a tryptophan to a stop codon within coding exon 2. This alteration is expected to result in loss of function by premature protein truncation or nonsense-mediated mRNA decay. As such, this alteration is interpreted as a disease-causing mutation.

Literature cited by the submitters: PubMed 27908349 (cited by Labcorp Genetics (formerly Invitae), Labcorp); PubMed 33874732 (cited by Labcorp Genetics (formerly Invitae), Labcorp).